The following is an entry in ClinVar:

NM_003403.5(YY1):c.550_551del (p.Ser184fs)

Genes: YY1 (YY1 transcription factor; plus strand), LOC130056453 (ATAC-STARR-seq lymphoblastoid silent region 6082; plus strand). Cytogenetic location: 14q32.2.
Variant type: Microsatellite.
Coding change: c.550_551del on transcript NM_003403.5 (MANE Select); coding-DNA positions 550 to 551, 2 bases deleted (AG; older notation c.550_551delAG).
Protein change: p.Ser184fs; shifts the reading frame from serine 184.
Molecular consequence: frameshift variant.
Genome position (GRCh38, 1-based): chr14:100,239,794-100,239,795, AG deleted; deleting any 2 consecutive bases within chr14:100,239,792-100,239,795 gives the same sequence; the c. name uses the placement nearest the transcript's 3' end. VCF-style (leftmost placement, unchanged base first): chr14-100239791-AAG-A. GRCh37 (hg19) VCF-style: chr14-100706128-AAG-A.
Other names: short protein forms S184fs.
Identifiers: ClinVar variation 545935 (VCV000545935.2), dbSNP rs1555368900, ClinGen allele CA658824398.
Genomic context (GRCh38, chr14:100,239,791, plus strand): 5'-GGCTCGTCGTCGTCGGGAGGCGGCCGCGTCAAGAAGGGCGGCGGCAAGAAGAGCGGCAAG[AAG>A]AGTTACCTCAGCGGCGGGGCCGGCGCGGCGGGCGGCGGCGGCGCCGACCCGGGCAACAAG-3'

ClinVar aggregate classification (germline): Likely pathogenic (1 of 4 stars; one submission).

Submission:

GeneDx
Classification: Likely pathogenic. Last evaluated: 2018-05-14. Review status: criteria provided, single submitter. Criteria: GeneDx Variant Classification (06012015). Collection method: clinical testing. Allele origin: germline. Affected: yes.
Comment: The c.550_551delAG variant in the YY1 gene has not been reported previously as a pathogenic variant nor as a benign variant, to our knowledge. The c.550_551delAG variant causes a frameshift starting with codon Serine 184, changes this amino acid to a Leucine residue, and creates a premature Stop codon at position 44 of the new reading frame, denoted p.Ser184LeufsX44. This variant is predicted to cause loss of normal protein function either through protein truncation or nonsense-mediated mRNA decay. The c.550_551delAG variant is not observed in large population cohorts (Lek et al., 2016). We interpret c.550_551delAG as a likely pathogenic variant.